The following is an entry in ClinVar:

ClinVar aggregate classification (germline): Likely benign (1 of 4 stars; one submission).

Allele frequency attached by ClinVar (database versions not stated): gnomAD exomes below 0.00001.
gnomAD v4.1: 1 of 398,600 alleles (0.00025%); highest among the groups gnomAD compares: Non-Finnish European, 0.00044%; no homozygotes.

Submission:

CeGaT Center for Human Genetics Tuebingen
Classification: Likely benign. Last evaluated: 2022-12-01. Review status: criteria provided, single submitter. Criteria: CeGaT Center For Human Genetics Tuebingen Variant Classification Criteria Version 2. Collection method: clinical testing. Allele origin: germline. Affected: yes. Observed: 1 variant allele.
Comment: BRCA1: PM2:Supporting, BP4, BP7

NM_007294.4(BRCA1):c.5333-869A>G

Gene: BRCA1 (BRCA1 DNA repair associated; minus strand). Cytogenetic location: 17q21.31.
Variant type: single nucleotide variant.
Coding change: c.5333-869A>G on transcript NM_007294.4 (MANE Select); 869 bases into the intron before coding-DNA position 5333, A replaced by G.
Molecular consequence: intron variant.
Genome position (GRCh38, 1-based): chr17:43,050,063, T>C on the plus strand (A>G on the coding strand, the complement: BRCA1 is on the minus strand). VCF-style: chr17-43050063-T-C. GRCh37 (hg19) VCF-style: chr17-41202080-T-C.
Other names: c.1898-869A>G (NM_001408442.1, NM_001408436.1, NM_001408435.1 and 10 more transcripts); c.1901-869A>G (NM_001408426.1, NM_001408430.1, NM_001408427.1 and 4 more transcripts); c.2021-869A>G (NM_001407982.1, NM_001407980.1, NM_001407993.1 and 10 more transcripts); c.2090-869A>G (NM_001407970.1, NM_001407971.1); c.5330-869A>G (NM_001407621.1, NM_001407613.1, NM_001407618.1 and 14 more transcripts); c.5333-869A>G (NM_001407593.1, NM_001407603.1, NM_001407598.1 and 5 more transcripts); c.1880-869A>G (NM_001408458.1, NM_001408461.1, NM_001408464.1 and 7 more transcripts); c.4442-869A>G (NM_001407967.1); and 84 more.
Identifiers: ClinVar variation 1879372 (VCV001879372.29), dbSNP rs2547327091, ClinGen allele CA2580093975.
Genomic context (GRCh38, chr17:43,050,063, plus strand): 5'-CTTGGAAATTTCATAAAAATCCAATTGATAACTAATAAAGAGGATGGAAACAAAATTACA[T>C]TGCAGCCAGGTTTTCTTGCTGTCACTCATCTGCCTGTGACCAGATGCTAAGGCCTTTCTC-3'